The following is an entry in ClinVar:

NM_173628.4(DNAH17):c.540-3C>T

Gene: DNAH17 (dynein axonemal heavy chain 17; minus strand). Cytogenetic location: 17q25.3.
Variant type: single nucleotide variant.
Coding change: c.540-3C>T on transcript NM_173628.4 (MANE Select); 3 bases into the intron before coding-DNA position 540, C replaced by T.
Molecular consequence: intron variant.
Genome position (GRCh38, 1-based): chr17:78,571,785, G>A on the plus strand (C>T on the coding strand, the complement: DNAH17 is on the minus strand). VCF-style: chr17-78571785-G-A. GRCh37 (hg19) VCF-style: chr17-76567867-G-A.
Identifiers: ClinVar variation 5039284 (VCV005039284.1).

ClinVar aggregate classification (germline): Uncertain significance (1 of 4 stars; one submission).

gnomAD v4.1: 2 of 1,573,954 alleles (0.00013%); highest among the groups gnomAD compares: Non-Finnish European, 0.00017%; no homozygotes.

Submission:

CeGaT Center for Human Genetics Tuebingen
Classification: Uncertain significance. Last evaluated: 2026-07-01. Review status: criteria provided, single submitter. Criteria: CeGaT Center For Human Genetics Tuebingen Variant Classification Criteria Version 2. Collection method: clinical testing. Allele origin: germline. Affected: yes. Observed: 1 variant allele.
Comment: DNAH17: PM2, BP4